The following is an entry in ClinVar:

NM_002234.4(KCNA5):c.14T>C (p.Leu5Pro)

Gene: KCNA5 (potassium voltage-gated channel subfamily A member 5; plus strand). Cytogenetic location: 12p13.32.
Variant type: single nucleotide variant.
Coding change: c.14T>C on transcript NM_002234.4 (MANE Select); coding-DNA position 14, T replaced by C.
Protein change: p.Leu5Pro; replaces leucine 5 with proline.
Molecular consequence: missense variant.
Genome position (GRCh38, 1-based): chr12:5,044,161, T>C. VCF-style: chr12-5044161-T-C. GRCh37 (hg19) VCF-style: chr12-5153327-T-C.
Other names: short protein forms L5P.
Identifiers: ClinVar variation 960087 (VCV000960087.1), dbSNP rs1862740772, ClinGen allele CA383461723.

ClinVar aggregate classification (germline): Uncertain significance (1 of 4 stars; one submission).

Conditions:
Atrial fibrillation, familial, 7 (ATFB7). Identifiers: MedGen C2677106, MONDO:0012828, OMIM 612240.

Submission:

Labcorp Genetics (formerly Invitae), Labcorp
Classification: Uncertain significance for Atrial fibrillation, familial, 7. Last evaluated: 2019-07-09. Review status: criteria provided, single submitter. Criteria: Invitae Variant Classification Sherloc (09022015). Collection method: clinical testing. Allele origin: germline.
Comment: This sequence change replaces leucine with proline at codon 5 of the KCNA5 protein (p.Leu5Pro). The leucine residue is weakly conserved and there is a moderate physicochemical difference between leucine and proline. The frequency data for this variant in the population databases is considered unreliable, as metrics indicate insufficient coverage at this position in the ExAC database. This variant has not been reported in the literature in individuals with KCNA5-related conditions. Algorithms developed to predict the effect of missense changes on protein structure and function output the following: SIFT: "Deleterious"; PolyPhen-2: "Benign"; Align-GVGD: "Class C0". The proline amino acid residue is found in multiple mammalian species, suggesting that this missense change does not adversely affect protein function. These predictions have not been confirmed by published functional studies and their clinical significance is uncertain. In summary, the available evidence is currently insufficient to determine the role of this variant in disease. Therefore, it has been classified as a Variant of Uncertain Significance.